The following is an entry in ClinVar:

ClinVar aggregate classification (germline): Uncertain significance. Review status: criteria provided, multiple submitters, no conflicts (2 of 4 stars). 2 submissions from 2 submitters: Uncertain significance (2). Last evaluated 2025-12-09.

Submissions (2):

Labcorp Genetics (formerly Invitae), Labcorp
Classification: Uncertain significance. Last evaluated: 2025-12-09. Review status: criteria provided, single submitter. Criteria: Invitae Variant Classification Sherloc (09022015). Collection method: clinical testing. Allele origin: germline.
Comment: This sequence change falls in intron 19 of the COL9A3 gene. It does not directly change the encoded amino acid sequence of the COL9A3 protein. This variant is not present in population databases (gnomAD no frequency). This variant has not been reported in the literature in individuals affected with COL9A3-related conditions. ClinVar contains an entry for this variant (Variation ID: 2431013). Algorithms developed to predict the effect of sequence changes on RNA splicing suggest that this variant may create or strengthen a splice site. In summary, the available evidence is currently insufficient to determine the role of this variant in disease. Therefore, it has been classified as a Variant of Uncertain Significance.

GeneDx
Classification: Uncertain significance. Last evaluated: 2022-08-25. Review status: criteria provided, single submitter. Criteria: GeneDx Variant Classification Process June 2021. Collection method: clinical testing. Allele origin: germline. Affected: yes.
Comment: Not observed at significant frequency in large population cohorts (gnomAD); In silico analysis supports a deleterious effect on splicing; Has not been previously published as pathogenic or benign to our knowledge

NM_001853.4(COL9A3):c.1009-5G>A

Gene: COL9A3 (collagen type IX alpha 3 chain; plus strand). Cytogenetic location: 20q13.33.
Variant type: single nucleotide variant.
Coding change: c.1009-5G>A on transcript NM_001853.4 (MANE Select); 5 bases into the intron before coding-DNA position 1009, G replaced by A.
Molecular consequence: intron variant.
Genome position (GRCh38, 1-based): chr20:62,829,450, G>A. VCF-style: chr20-62829450-G-A. GRCh37 (hg19) VCF-style: chr20-61460802-G-A.
Identifiers: ClinVar variation 2431013 (VCV002431013.4), dbSNP rs2516057419, ClinGen allele CA2580098374.